The following is an entry in ClinVar:

ClinVar aggregate classification (germline): Likely benign. Review status: criteria provided, single submitter (1 of 4 stars). 2 submissions from 2 submitters: Likely benign (1). 1 of the submissions does not count toward it. Last evaluated 2024-01-12.

Conditions:
DSG1-related disorder. Also called: DSG1-related condition.

Allele frequency attached by ClinVar (database versions not stated): gnomAD 0.00001; gnomAD exomes 0.00001 and 0.00002; TOPMed 0.00001; ExAC 0.00002.
gnomAD v4.1: 16 of 1,614,058 alleles (0.00099%); highest among the groups gnomAD compares: Non-Finnish European, 0.0013%; no homozygotes.

Submissions (2):

Labcorp Genetics (formerly Invitae), Labcorp
Classification: Likely benign. Last evaluated: 2024-01-12. Review status: criteria provided, single submitter. Criteria: Invitae Variant Classification Sherloc (09022015). Collection method: clinical testing. Allele origin: germline.

PreventionGenetics, part of Exact Sciences
Classification: Likely benign for DSG1-related condition. Last evaluated: 2023-12-06. Review status: no assertion criteria provided. Collection method: clinical testing. Allele origin: germline. Not counted in ClinVar's aggregate classification.
Comment: This variant is classified as likely benign based on ACMG/AMP sequence variant interpretation guidelines (Richards et al. 2015 PMID: 25741868, with internal and published modifications).

NM_001942.4(DSG1):c.2421A>C (p.Thr807=)

Genes: DSG1 (desmoglein 1; plus strand), DSG1-AS1 (DSG1 antisense RNA 1; minus strand), LOC126862720 (MED14-independent group 3 enhancer GRCh37_chr18:28933613-28934812; plus strand). Cytogenetic location: 18q12.1.
Variant type: single nucleotide variant.
Coding change: c.2421A>C on transcript NM_001942.4 (MANE Select); coding-DNA position 2421, A replaced by C.
Protein change: p.Thr807=; no amino-acid change (threonine 807 retained).
Molecular consequence: synonymous variant.
Genome position (GRCh38, 1-based): chr18:31,354,617, A>C. VCF-style: chr18-31354617-A-C. GRCh37 (hg19) VCF-style: chr18-28934580-A-C.
Other names: c.2421A>C (NM_001942.3).
Identifiers: ClinVar variation 1155758 (VCV001155758.11), dbSNP rs751877534, ClinGen allele CA8926353.